The following is an entry in ClinVar:

NM_001004356.3(FGFRL1):c.418G>A (p.Ala140Thr)

Gene: FGFRL1 (fibroblast growth factor receptor like 1; plus strand). Cytogenetic location: 4p16.3.
Variant type: single nucleotide variant.
Coding change: c.418G>A on transcript NM_001004356.3 (MANE Select); coding-DNA position 418, G replaced by A.
Protein change: p.Ala140Thr; replaces alanine 140 with threonine.
Molecular consequence: missense variant.
Genome position (GRCh38, 1-based): chr4:1,023,706, G>A. VCF-style: chr4-1023706-G-A. GRCh37 (hg19) VCF-style: chr4-1017494-G-A.
Other names: c.418G>A, p.Ala140Thr (NM_001004358.1, NM_001370296.1, NM_021923.3); short protein forms A140T.
Identifiers: ClinVar variation 1371212 (VCV001371212.7), dbSNP rs1166483143, ClinGen allele CA355930727.

ClinVar aggregate classification (germline): Uncertain significance (1 of 4 stars; one submission).

Allele frequency attached by ClinVar (database versions not stated): gnomAD 0.00001; gnomAD exomes 0.00001; TOPMed 0.00003.

Submission:

Labcorp Genetics (formerly Invitae), Labcorp
Classification: Uncertain significance. Last evaluated: 2024-12-02. Review status: criteria provided, single submitter. Criteria: Invitae Variant Classification Sherloc (09022015). Collection method: clinical testing. Allele origin: germline.
Comment: This sequence change replaces alanine, which is neutral and non-polar, with threonine, which is neutral and polar, at codon 140 of the FGFRL1 protein (p.Ala140Thr). The frequency data for this variant in the population databases is considered unreliable, as metrics indicate poor data quality at this position in the gnomAD database. This variant has not been reported in the literature in individuals affected with FGFRL1-related conditions. ClinVar contains an entry for this variant (Variation ID: 1371212). An algorithm developed to predict the effect of missense changes on protein structure and function outputs the following: PolyPhen-2: "Benign". The threonine amino acid residue is found in multiple mammalian species, which suggests that this missense change does not adversely affect protein function. In summary, the available evidence is currently insufficient to determine the role of this variant in disease. Therefore, it has been classified as a Variant of Uncertain Significance.